The following is an entry in ClinVar:

ClinVar aggregate classification (germline): Uncertain significance (1 of 4 stars; one submission).

Submission:

Labcorp Genetics (formerly Invitae), Labcorp
Classification: Uncertain significance. Last evaluated: 2024-11-11. Review status: criteria provided, single submitter. Criteria: Invitae Variant Classification Sherloc (09022015). Collection method: clinical testing. Allele origin: germline.
Comment: This sequence change falls in intron 28 of the DIP2C gene. It does not directly change the encoded amino acid sequence of the DIP2C protein. It affects a nucleotide within the consensus splice site. This variant is present in population databases (rs754183714, gnomAD 0.004%). This variant has not been reported in the literature in individuals affected with DIP2C-related conditions. Variants that disrupt the consensus splice site are a relatively common cause of aberrant splicing (PMID: 17576681, 9536098). Algorithms developed to predict the effect of sequence changes on RNA splicing suggest that this variant may disrupt the consensus splice site. In summary, the available evidence is currently insufficient to determine the role of this variant in disease. Therefore, it has been classified as a Variant of Uncertain Significance.

Literature cited by the submitters: PubMed 17576681; PubMed 9536098.

NM_014974.3(DIP2C):c.3453+4dup

Genes: DIP2C (DIP2 acetate--CoA ligase C (putative); minus strand), LOC126860805 (BRD4-independent group 4 enhancer GRCh37_chr10:390524-391723; plus strand). Cytogenetic location: 10p15.3.
Variant type: Duplication.
Coding change: c.3453+4dup on transcript NM_014974.3 (MANE Select); 4 bases into the intron after coding-DNA position 3453, one base duplicated (A; older notation c.3453+4dupA).
Molecular consequence: intron variant.
Genome position (GRCh38, 1-based): chr10:344,805, T duplicated on the plus strand (A on the coding strand, the reverse complement: DIP2C is on the minus strand). VCF-style (leftmost placement, unchanged base first): chr10-344804-C-CT. GRCh37 (hg19) VCF-style: chr10-390744-C-CT.
Identifiers: ClinVar variation 3699751 (VCV003699751.2).
Genomic context (GRCh38, chr10:344,804, plus strand): 5'-ACCTGCCACCTCCAGCACGCTCCGCAGTTGCCTCCATGGCCACCGCCCGCAGCCACCCCC[C>CT]TCACCTTTACGCCAGCTAGCATCCCAGTTGTGGACACGCTGAAGTCGAGATATGCAAGAG-3'